The following is an entry in ClinVar:

NM_000091.5(COL4A3):c.2456_2457insACTGTCTCTTA (p.Pro820fs)

Genes: COL4A3 (collagen type IV alpha 3 chain; plus strand), MFF-DT (MFF divergent transcript; minus strand). Cytogenetic location: 2q36.3.
Variant type: Insertion.
Coding change: c.2456_2457insACTGTCTCTTA on transcript NM_000091.5 (MANE Select); coding-DNA positions 2456 to 2457, ACTGTCTCTTA inserted.
Protein change: p.Pro820fs; shifts the reading frame from proline 820.
Molecular consequence: frameshift variant.
Genome position: GRCh38 VCF-style: chr2-227280974-T-TACTGTCTCTTA. GRCh37 (hg19) VCF-style: chr2-228145690-T-TACTGTCTCTTA.
Other names: short protein forms P820fs.
Identifiers: ClinVar variation 1723965 (VCV001723965.2), dbSNP rs2469759634, ClinGen allele CA2580065887.
Genomic context (GRCh38, chr2:227,280,974, plus strand): 5'-CACCTGGAGAACAAGGACCCCCAGGAAGGTGCATAGAGGGTCCCAGGGGAGCCCAAGGAC[T>TACTGTCTCTTA]TCCAGGCTTAAATGGATTGAAAGGGCAACAAGGTAGGAGGAGGGCCTCAAAACTGGCCAC-3'

ClinVar aggregate classification (germline): Likely pathogenic (1 of 4 stars; one submission).

Conditions:
Autosomal recessive Alport syndrome (ATS2). Also called: COL4A3-Related Nephropathy; COL4A4 Alport Syndrome and Thin Basement Membrane Nephropathy; ALPORT SYNDROME 2, AUTOSOMAL RECESSIVE; Alport syndrome type 2. Identifiers: Orphanet 63, Orphanet 88919, MedGen C4746745, MONDO:0008762, OMIM 203780.

Submission:

Myriad Genetics, Inc.
Classification: Likely pathogenic for Autosomal recessive Alport syndrome. Last evaluated: 2021-11-02. Review status: criteria provided, single submitter. Criteria: Myriad Women's Health Autosomal Recessive and X-Linked Classification Criteria (2021). Collection method: clinical testing. Allele origin: unknown.
Comment: NM_000091.4(COL4A3):c.2456_2457ins11(P820Lfs*7) is expected to be pathogenic in the context of COL4A3-related Alport syndrome. This variant is predicted to lead to an abnormal or absent protein product due to the creation of a premature termination codon in COL4A3, a gene where loss-of-function variants are known to be pathogenic. Please note: this variant was assessed in the context of healthy population screening.